The following is an entry in ClinVar:

ClinVar aggregate classification (germline): Uncertain significance (1 of 4 stars; one submission).

Allele frequency attached by ClinVar (database versions not stated): gnomAD 0.00001; ExAC 0.00002; TOPMed 0.00003.
gnomAD v4.1: 1 of 1,614,032 alleles (0.000062%); highest among the groups gnomAD compares: African/African-American, 0.0013%; no homozygotes.

Submission:

Labcorp Genetics (formerly Invitae), Labcorp
Classification: Uncertain significance. Last evaluated: 2022-01-27. Review status: criteria provided, single submitter. Criteria: Invitae Variant Classification Sherloc (09022015). Collection method: clinical testing. Allele origin: germline.
Comment: In summary, the available evidence is currently insufficient to determine the role of this variant in disease. Therefore, it has been classified as a Variant of Uncertain Significance. Algorithms developed to predict the effect of missense changes on protein structure and function (SIFT, PolyPhen-2, Align-GVGD) all suggest that this variant is likely to be tolerated. This variant has not been reported in the literature in individuals affected with SIN3A-related conditions. This variant is present in population databases (rs780797915, gnomAD 0.007%). This sequence change replaces threonine, which is neutral and polar, with serine, which is neutral and polar, at codon 656 of the SIN3A protein (p.Thr656Ser).

NM_001145358.2(SIN3A):c.1967C>G (p.Thr656Ser)

Gene: SIN3A (SIN3 transcription regulator family member A; minus strand). Cytogenetic location: 15q24.2.
Variant type: single nucleotide variant.
Coding change: c.1967C>G on transcript NM_001145358.2 (MANE Select); coding-DNA position 1967, C replaced by G.
Protein change: p.Thr656Ser; replaces threonine 656 with serine.
Molecular consequence: missense variant.
Genome position (GRCh38, 1-based): chr15:75,396,384, G>C on the plus strand (C>G on the coding strand, the complement: SIN3A is on the minus strand). VCF-style: chr15-75396384-G-C. GRCh37 (hg19) VCF-style: chr15-75688725-G-C.
Other names: c.1967C>G, p.Thr656Ser (NM_001145357.2, NM_015477.3); short protein forms T656S.
Identifiers: ClinVar variation 1902690 (VCV001902690.5), dbSNP rs780797915, ClinGen allele CA7667544.
Genomic context (GRCh38, chr15:75,396,384, plus strand): 5'-TTATCAGCATATATCCTCTGGAGTGCTTTTCTATGGATGACTTCTGATGTGCCCCCAAGG[G>C]TGTTGTCCAAGCGAAATTTGGCTTGTTCTTCAGCAGACAAGCGGGAAAGCTTCTTCTGTA-3'
Protein context (NP_001138830.1, residues 646-666): EEQAKFRLDN[Thr656Ser]LGGTSEVIHR